The following is an entry in ClinVar:

NM_014629.4(ARHGEF10):c.3407G>A (p.Arg1136Gln)

Gene: ARHGEF10 (Rho guanine nucleotide exchange factor 10; plus strand). Cytogenetic location: 8p23.3.
Variant type: single nucleotide variant.
Coding change: c.3407G>A on transcript NM_014629.4 (MANE Select); coding-DNA position 3407, G replaced by A.
Protein change: p.Arg1136Gln; replaces arginine 1136 with glutamine.
Molecular consequence: missense variant.
Genome position (GRCh38, 1-based): chr8:1,952,714, G>A. VCF-style: chr8-1952714-G-A. GRCh37 (hg19) VCF-style: chr8-1900880-G-A.
Other names: c.3293G>A, p.Arg1098Gln (NM_001308152.2); c.3407G>A, p.Arg1136Gln (NM_001308153.3); short protein forms R1160Q, R1136Q, R1098Q.
Identifiers: ClinVar variation 2058286 (VCV002058286.4), dbSNP rs887797448, ClinGen allele CA170596400.

ClinVar aggregate classification (germline): Uncertain significance (1 of 4 stars; one submission).

Allele frequency attached by ClinVar (database versions not stated): TOPMed below 0.00001; gnomAD 0.00001; gnomAD exomes 0.00001.
gnomAD v4.1: 20 of 1,612,720 alleles (0.0012%); highest among the groups gnomAD compares: East Asian, 0.0067%; no homozygotes.

Submission:

Labcorp Genetics (formerly Invitae), Labcorp
Classification: Uncertain significance. Last evaluated: 2026-01-19. Review status: criteria provided, single submitter. Criteria: Invitae Variant Classification Sherloc (09022015). Collection method: clinical testing. Allele origin: germline.
Comment: This sequence change replaces arginine, which is basic and polar, with glutamine, which is neutral and polar, at codon 1136 of the ARHGEF10 protein (p.Arg1136Gln). This variant is present in population databases (no rsID available, gnomAD 0.005%). This variant has not been reported in the literature in individuals affected with ARHGEF10-related conditions. ClinVar contains an entry for this variant (Variation ID: 2058286). Invitae Evidence Modeling of protein sequence and biophysical properties (such as structural, functional, and spatial information, amino acid conservation, physicochemical variation, residue mobility, and thermodynamic stability) indicates that this missense variant is not expected to disrupt ARHGEF10 protein function with a negative predictive value of 80%. In summary, the available evidence is currently insufficient to determine the role of this variant in disease. Therefore, it has been classified as a Variant of Uncertain Significance.